The following is an entry in ClinVar:

NM_003193.5(TBCE):c.1263C>G (p.Leu421=)

Gene: TBCE (tubulin folding cofactor E; plus strand). Cytogenetic location: 1q42.3.
Variant type: single nucleotide variant.
Coding change: c.1263C>G on transcript NM_003193.5 (MANE Select); coding-DNA position 1263, C replaced by G.
Protein change: p.Leu421=; no amino-acid change (leucine 421 retained).
Molecular consequence: synonymous variant.
Genome position (GRCh38, 1-based): chr1:235,438,915, C>G. VCF-style: chr1-235438915-C-G. GRCh37 (hg19) VCF-style: chr1-235602230-C-G.
Other names: c.1263C>G, p.Leu421= (NM_001079515.3); c.1416C>G, p.Leu472= (NM_001287801.2); c.924C>G, p.Leu308= (NM_001287802.2).
Identifiers: ClinVar variation 296309 (VCV000296309.32), dbSNP rs199943206, ClinGen allele CA1464386.
Genomic context (GRCh38, chr1:235,438,915, plus strand): 5'-TCCGGAAAAAAACAGACTCAGCGAAGAATTCCTCACAGCCCATCCCAGATACCAGTTCCT[C>G]TGCCTGAGTACGTGCGTATACACTGGTGGCCTTCAGGTGGTGGATTTCCAGCTGGAACAA-3'
Protein context (NP_003184.1, residues 411-431): FLTAHPRYQF[Leu421=]CLKYGAPEDW

ClinVar aggregate classification (germline): Conflicting classifications of pathogenicity. Review status: criteria provided, conflicting classifications (1 of 4 stars). 6 submissions from 6 submitters: Uncertain significance (1); Likely benign (3). 2 of the submissions do not count toward it. Last evaluated 2024-11-13.

Conditions:
Hypoparathyroidism-retardation-dysmorphism syndrome (HRDS). Also called: SANJAD-SAKATI SYNDROME. Identifiers: Orphanet 2323, MedGen C1855840, MONDO:0009426, OMIM 241410.

Allele frequency attached by ClinVar (database versions not stated): ExAC 0.00003; gnomAD exomes 0.00006 and 0.00025; gnomAD 0.00008; TOPMed 0.00009; 1000 Genomes Project 30x 0.00016.
gnomAD v4.1: 369 of 1,614,166 alleles (0.023%); highest among the groups gnomAD compares: Non-Finnish European, 0.03%; no homozygotes.

Submissions (6):

Blueprint Genetics
Classification: Likely benign. Last evaluated: 2024-11-13. Review status: criteria provided, single submitter. Criteria: ACMG Guidelines, 2015. Collection method: clinical testing. Allele origin: germline.

CeGaT Center for Human Genetics Tuebingen
Classification: Likely benign. Last evaluated: 2024-10-01. Review status: criteria provided, single submitter. Criteria: CeGaT Center For Human Genetics Tuebingen Variant Classification Criteria Version 2. Collection method: clinical testing. Allele origin: germline. Affected: yes. Observed: 1 variant allele.
Comment: TBCE: BP4, BP7

Labcorp Genetics (formerly Invitae), Labcorp
Classification: Likely benign. Last evaluated: 2024-04-24. Review status: criteria provided, single submitter. Criteria: Invitae Variant Classification Sherloc (09022015). Collection method: clinical testing. Allele origin: germline.

Illumina Laboratory Services, Illumina
Classification: Uncertain significance for Hypoparathyroidism-retardation-dysmorphism syndrome. Last evaluated: 2018-01-13. Review status: criteria provided, single submitter. Criteria: ICSL Variant Classification Criteria 13 December 2019. Collection method: clinical testing. Allele origin: germline.

Clinical Genetics DNA and cytogenetics Diagnostics Lab, Erasmus MC, Erasmus Medical Center
Classification: Likely benign. Review status: no assertion criteria provided. Collection method: clinical testing. Allele origin: germline. Affected: yes. Study: VKGL Data-share Consensus. Not counted in ClinVar's aggregate classification.

Clinical Genetics, Academic Medical Center
Classification: Likely benign. Review status: no assertion criteria provided. Collection method: clinical testing. Allele origin: germline. Affected: yes. Study: VKGL Data-share Consensus. Not counted in ClinVar's aggregate classification.